The following is an entry in ClinVar:

ClinVar aggregate classification (germline): Conflicting classifications of pathogenicity. Review status: criteria provided, conflicting classifications (1 of 4 stars). 3 submissions from 3 submitters: Uncertain significance (1); Likely benign (1). 1 of the submissions does not count toward it. Last evaluated 2024-03-23.

Conditions:
PCNT-related disorder. Also called: PCNT-related condition.
Microcephalic osteodysplastic primordial dwarfism type II (MOPD2). Also called: MOPD II; OSTEODYSPLASTIC PRIMORDIAL DWARFISM, TYPE II; Microcephalic osteodysplastic primordial dwarfism with tooth abnormalities. Identifiers: Orphanet 2637, MedGen C0432246, MONDO:0008872, OMIM 210720.

Allele frequency attached by ClinVar (database versions not stated): gnomAD 0.00003 and 0.00004; ExAC 0.00005; gnomAD exomes 0.00005 and 0.00009; TOPMed 0.00007.
gnomAD v4.1: 131 of 1,607,926 alleles (0.0081%); highest among the groups gnomAD compares: Non-Finnish European, 0.0092%; no homozygotes.

Submissions (3):

Labcorp Genetics (formerly Invitae), Labcorp
Classification: Likely benign. Last evaluated: 2024-03-23. Review status: criteria provided, single submitter. Criteria: Invitae Variant Classification Sherloc (09022015). Collection method: clinical testing. Allele origin: germline.

Illumina Laboratory Services, Illumina
Classification: Uncertain significance for Microcephalic osteodysplastic primordial dwarfism type II. Last evaluated: 2018-01-12. Review status: criteria provided, single submitter. Criteria: ICSL Variant Classification Criteria 13 December 2019. Collection method: clinical testing. Allele origin: germline.

PreventionGenetics, part of Exact Sciences
Classification: Likely benign for PCNT-related condition. Last evaluated: 2023-10-11. Review status: no assertion criteria provided. Collection method: clinical testing. Allele origin: germline. Not counted in ClinVar's aggregate classification.
Comment: This variant is classified as likely benign based on ACMG/AMP sequence variant interpretation guidelines (Richards et al. 2015 PMID: 25741868, with internal and published modifications).

NM_006031.6(PCNT):c.6144C>T (p.Gly2048=)

Gene: PCNT (pericentrin; plus strand). Cytogenetic location: 21q22.3.
Variant type: single nucleotide variant.
Coding change: c.6144C>T on transcript NM_006031.6 (MANE Select); coding-DNA position 6144, C replaced by T.
Protein change: p.Gly2048=; no amino-acid change (glycine 2048 retained).
Molecular consequence: synonymous variant.
Genome position (GRCh38, 1-based): chr21:46,412,986, C>T. VCF-style: chr21-46412986-C-T. GRCh37 (hg19) VCF-style: chr21-47832900-C-T.
Other names: c.5790C>T, p.Gly1930= (NM_001315529.2).
Identifiers: ClinVar variation 797412 (VCV000797412.13), dbSNP rs777489939, ClinGen allele CA10080215.